The following is an entry in ClinVar:

ClinVar aggregate classification (germline): Benign/Likely benign. Review status: criteria provided, multiple submitters, no conflicts (2 of 4 stars). 8 submissions from 8 submitters: Benign (2); Likely benign (5). 1 of the submissions does not count toward it. Last evaluated 2026-01-25.

Conditions:
ANK2-related disorder. Also called: ANK2-related condition.
Cardiac arrhythmia, ankyrin-B-related. Also called: ANKYRIN-B SYNDROME. Identifiers: Orphanet 101016, Orphanet 768, MedGen C1970119, MONDO:0010958, OMIM 600919.
Cardiovascular phenotype. Identifiers: MedGen CN230736.
Long QT syndrome (LQTS). Identifiers: MedGen C0023976, MeSH D008133, MONDO:0002442. Disease mechanism: loss of function. Inheritance: Various modes of inheritance.

Allele frequency attached by ClinVar (database versions not stated): gnomAD 0.00001 and 0.00017; TOPMed 0.00002; gnomAD exomes 0.00034 and 0.00069; ExAC 0.00087; 1000 Genomes Project 30x 0.00125; 1000 Genomes Project 0.00160.
gnomAD v4.1: 529 of 1,613,734 alleles (0.033%); highest among the groups gnomAD compares: South Asian, 0.55%; 2 homozygotes.

Submissions (8):

Labcorp Genetics (formerly Invitae), Labcorp
Classification: Benign for Long QT syndrome. Last evaluated: 2026-01-25. Review status: criteria provided, single submitter. Criteria: Invitae Variant Classification Sherloc (09022015). Collection method: clinical testing. Allele origin: germline.

Women's Health and Genetics/Laboratory Corporation of America, LabCorp
Classification: Likely benign. Last evaluated: 2025-05-15. Review status: criteria provided, single submitter. Criteria: LabCorp Variant Classification Summary - May 2015. Collection method: clinical testing. Allele origin: germline.

Molecular Diagnostic Laboratory for Inherited Cardiovascular Disease, Montreal Heart Institute
Classification: Likely benign. Last evaluated: 2025-04-09. Review status: criteria provided, single submitter. Criteria: ACMG Guidelines, 2015. Collection method: clinical testing. Allele origin: germline. Affected: no.

Genome-Nilou Lab
Classification: Benign for Cardiac arrhythmia, ankyrin-B-related. Last evaluated: 2021-12-05. Review status: criteria provided, single submitter. Criteria: ACMG Guidelines, 2015. Collection method: clinical testing. Allele origin: germline. Affected: no.

Illumina Laboratory Services, Illumina
Classification: Likely benign for Cardiac arrhythmia, ankyrin-B-related. Last evaluated: 2018-01-12. Review status: criteria provided, single submitter. Criteria: ICSL Variant Classification Criteria 13 December 2019. Collection method: clinical testing. Allele origin: germline.
Comment: This variant was observed in the ICSL laboratory as part of a predisposition screen in an ostensibly healthy population. It had not been previously curated by ICSL or reported in the Human Gene Mutation Database (HGMD: prior to June 1st, 2018), and was therefore a candidate for classification through an automated scoring system. Utilizing variant allele frequency, disease prevalence and penetrance estimates, and inheritance mode, an automated score was calculated to assess if this variant is too frequent to cause the disease. Based on the score and internal cut-off values, a variant classified as likely benign is not then subjected to further curation. The score for this variant resulted in a classification of likely benign for this disease.

Ambry Genetics
Classification: Likely benign for Cardiovascular phenotype. Last evaluated: 2016-12-23. Review status: criteria provided, single submitter. Criteria: Ambry Variant Classification Scheme 2023. Collection method: clinical testing. Allele origin: germline.

GeneDx
Classification: Likely benign. Last evaluated: 2015-06-04. Review status: criteria provided, single submitter. Criteria: GeneDx Variant Classification (06012015). Collection method: clinical testing. Allele origin: germline. Affected: yes.
Comment: This variant is considered likely benign or benign based on one or more of the following criteria: it is a conservative change, it occurs at a poorly conserved position in the protein, it is predicted to be benign by multiple in silico algorithms, and/or has population frequency not consistent with disease.

PreventionGenetics, part of Exact Sciences
Classification: Likely benign for ANK2-related condition. Last evaluated: 2019-06-28. Review status: no assertion criteria provided. Collection method: clinical testing. Allele origin: germline. Not counted in ClinVar's aggregate classification.
Comment: This variant is classified as likely benign based on ACMG/AMP sequence variant interpretation guidelines (Richards et al. 2015 PMID: 25741868, with internal and published modifications).

NM_001148.6(ANK2):c.2819C>G (p.Ala940Gly)

Gene: ANK2 (ankyrin 2; plus strand). Cytogenetic location: 4q26.
Variant type: single nucleotide variant.
Coding change: c.2819C>G on transcript NM_001148.6 (MANE Select); coding-DNA position 2819, C replaced by G.
Protein change: p.Ala940Gly; replaces alanine 940 with glycine.
Molecular consequence: missense variant.
Genome position (GRCh38, 1-based): chr4:113,318,539, C>G. VCF-style: chr4-113318539-C-G. GRCh37 (hg19) VCF-style: chr4-114239695-C-G.
Other names: c.2819C>G (NM_001148.5); c.2756C>G, p.Ala919Gly (NM_001127493.3, NM_001354243.2, NM_001354255.2 and 3 more transcripts); c.2831C>G, p.Ala944Gly (NM_001354225.2); c.2819C>G, p.Ala940Gly (NM_001354228.2, NM_001354232.2, NM_001354258.2 and 1 more transcripts); c.2861C>G, p.Ala954Gly (NM_001354230.2, NM_001354231.2, NM_001354237.2 and 1 more transcripts); c.2816C>G, p.Ala939Gly (NM_001354235.2, NM_001354236.2, NM_001354246.2 and 1 more transcripts); c.2753C>G, p.Ala918Gly (NM_001354239.2, NM_001354244.2, NM_001354252.2 and 3 more transcripts); c.2864C>G, p.Ala955Gly (NM_001354240.2, NM_001354241.2, NM_001386144.1); and 18 more; short protein forms A919G, A940G, A873G, A886G, A906G, A926G, A954G, A878G.
Identifiers: ClinVar variation 379808 (VCV000379808.23), dbSNP rs537484483, ClinGen allele CA3050681.